The following is an entry in ClinVar:

NM_002880.4(RAF1):c.1874T>C (p.Leu625Ser)

Gene: RAF1 (Raf-1 proto-oncogene, serine/threonine kinase; minus strand). Cytogenetic location: 3p25.2.
Variant type: single nucleotide variant.
Coding change: c.1874T>C on transcript NM_002880.4 (MANE Select); coding-DNA position 1874, T replaced by C.
Protein change: p.Leu625Ser; replaces leucine 625 with serine.
Molecular consequence: missense variant. On other transcripts: non-coding transcript variant (3).
Genome position (GRCh38, 1-based): chr3:12,584,587, A>G on the plus strand (T>C on the coding strand, the complement: RAF1 is on the minus strand). VCF-style: chr3-12584587-A-G. GRCh37 (hg19) VCF-style: chr3-12626086-A-G.
Other names: c.1934T>C, p.Leu645Ser (NM_001354689.3); c.1874T>C, p.Leu625Ser (NM_001354690.3); c.1631T>C, p.Leu544Ser (NM_001354691.3, NM_001354692.3); c.1775T>C, p.Leu592Ser (NM_001354693.3); c.1691T>C, p.Leu564Ser (NM_001354694.3); c.1532T>C, p.Leu511Ser (NM_001354695.3); short protein forms L511S, L544S, L564S, L592S, L625S, L645S.
Identifiers: ClinVar variation 4801586 (VCV004801586.1).
Genomic context (GRCh38, chr3:12,584,587, plus strand): 5'-AGCCTCGGGGACGTGGTCAGCGTGCAAGCATTGATATCCTCAGTGTGGGCTGCCCGATGC[A>G]AGGATGGCTCGGAAGCGCTCCGGTTGATCTTCGGTAGAGAGTGTTGGAGCAGCTCAATGG-3'
Protein context (NP_002871.1, residues 615-635): KINRSASEPS[Leu625Ser]HRAAHTEDIN

ClinVar aggregate classification (germline): Uncertain significance (1 of 4 stars; one submission).

Conditions:
RASopathy. Also called: rasopathies; Noonan spectrum disorder. Identifiers: Orphanet 536391, MedGen C5555857, MONDO:0021060.

Submission:

Labcorp Genetics (formerly Invitae), Labcorp
Classification: Uncertain significance for RASopathy. Last evaluated: 2025-09-23. Review status: criteria provided, single submitter. Criteria: Invitae Variant Classification Sherloc (09022015). Collection method: clinical testing. Allele origin: germline.
Comment: This sequence change replaces leucine, which is neutral and non-polar, with serine, which is neutral and polar, at codon 625 of the RAF1 protein (p.Leu625Ser). This variant is not present in population databases (gnomAD no frequency). This variant has not been reported in the literature in individuals affected with RAF1-related conditions. Invitae Evidence Modeling of protein sequence and biophysical properties (such as structural, functional, and spatial information, amino acid conservation, physicochemical variation, residue mobility, and thermodynamic stability) indicates that this missense variant is expected to disrupt RAF1 protein function with a positive predictive value of 95%. In summary, the available evidence is currently insufficient to determine the role of this variant in disease. Therefore, it has been classified as a Variant of Uncertain Significance.